The following is an entry in ClinVar:

ClinVar aggregate classification (germline): Pathogenic (1 of 4 stars; one submission).

Conditions:
Neuronal ceroid lipofuscinosis 13 (CLN13). Also called: CEROID LIPOFUSCINOSIS, NEURONAL, 13 (KUFS TYPE); CLN13 Disease. Identifiers: Orphanet 352709, Orphanet 79262, MedGen C3715049, MONDO:0014147, OMIM 615362.

Submission:

Labcorp Genetics (formerly Invitae), Labcorp
Classification: Pathogenic for Neuronal ceroid lipofuscinosis 13. Last evaluated: 2026-01-20. Review status: criteria provided, single submitter. Criteria: Invitae Variant Classification Sherloc (09022015). Collection method: clinical testing. Allele origin: germline.
Comment: This sequence change creates a premature translational stop signal (p.Pro126Hisfs*44) in the CTSF gene. It is expected to result in an absent or disrupted protein product. Loss-of-function variants in CTSF are known to be pathogenic (PMID: 23297359, 25274848). This variant is not present in population databases (gnomAD no frequency). This variant has not been reported in the literature in individuals affected with CTSF-related conditions. For these reasons, this variant has been classified as Pathogenic.

Literature cited by the submitters: PubMed 23297359; PubMed 25274848.

NM_003793.4(CTSF):c.375_382del (p.Pro126fs)

Gene: CTSF (cathepsin F; minus strand). Cytogenetic location: 11q13.2.
Variant type: Deletion.
Coding change: c.375_382del on transcript NM_003793.4 (MANE Select); coding-DNA positions 375 to 382, 8 bases deleted (CCCAGTGG; older notation c.375_382delCCCAGTGG).
Protein change: p.Pro126fs; shifts the reading frame from proline 126.
Molecular consequence: frameshift variant.
Genome position (GRCh38, 1-based): chr11:66,567,593-66,567,600, CCACTGGG deleted on the plus strand (CCCAGTGG on the coding strand, the reverse complement: CTSF is on the minus strand); deleting any 8 consecutive bases within chr11:66,567,593-66,567,604 gives the same sequence; the c. name uses the placement nearest the transcript's 3' end. VCF-style (leftmost placement, unchanged base first): chr11-66567592-TCCACTGGG-T. GRCh37 (hg19) VCF-style: chr11-66335063-TCCACTGGG-T.
Other names: short protein forms P126fs.
Identifiers: ClinVar variation 4724736 (VCV004724736.1).